The following is an entry in ClinVar:

ClinVar aggregate classification (germline): Uncertain significance (1 of 4 stars; one submission).

Conditions:
Familial sleep-related hypermotor epilepsy. Also called: Autosomal Dominant Sleep-Related Hypermotor (Hyperkinetic) Epilepsy. Identifiers: Orphanet 98784, MedGen C3696898, MONDO:0000030.

Submission:

Labcorp Genetics (formerly Invitae), Labcorp
Classification: Uncertain significance. Last evaluated: 2021-03-24. Review status: criteria provided, single submitter. Criteria: Invitae Variant Classification Sherloc (09022015). Collection method: clinical testing. Allele origin: germline.
Comment: This variant is not present in population databases (ExAC no frequency). This variant has not been reported in the literature in individuals with CHRNA4-related conditions. Algorithms developed to predict the effect of missense changes on protein structure and function (SIFT, PolyPhen-2, Align-GVGD) all suggest that this variant is likely to be tolerated, but these predictions have not been confirmed by published functional studies and their clinical significance is uncertain. Algorithms developed to predict the effect of sequence changes on RNA splicing suggest that this variant may create or strengthen a splice site, but this prediction has not been confirmed by published transcriptional studies. In summary, the available evidence is currently insufficient to determine the role of this variant in disease. Therefore, it has been classified as a Variant of Uncertain Significance. This sequence change replaces glycine with arginine at codon 419 of the CHRNA4 protein (p.Gly419Arg). The glycine residue is weakly conserved and there is a moderate physicochemical difference between glycine and arginine.

NM_000744.7(CHRNA4):c.1255G>A (p.Gly419Arg)

Gene: CHRNA4 (cholinergic receptor nicotinic alpha 4 subunit; minus strand). Cytogenetic location: 20q13.33.
Variant type: single nucleotide variant.
Coding change: c.1255G>A on transcript NM_000744.7 (MANE Select); coding-DNA position 1255, G replaced by A.
Protein change: p.Gly419Arg; replaces glycine 419 with arginine.
Molecular consequence: missense variant. On other transcripts: non-coding transcript variant (1).
Genome position (GRCh38, 1-based): chr20:63,350,156, C>T on the plus strand (G>A on the coding strand, the complement: CHRNA4 is on the minus strand). VCF-style: chr20-63350156-C-T. GRCh37 (hg19) VCF-style: chr20-61981508-C-T.
Other names: c.727G>A, p.Gly243Arg (NM_001256573.2); short protein forms G243R, G419R.
Identifiers: ClinVar variation 1519327 (VCV001519327.8), dbSNP rs2068565140, ClinGen allele CA409634001.